The following is an entry in ClinVar:

NM_182914.3(SYNE2):c.20516+6G>A

Gene: SYNE2 (spectrin repeat containing nuclear envelope protein 2; plus strand). Cytogenetic location: 14q23.2.
Variant type: single nucleotide variant.
Coding change: c.20516+6G>A on transcript NM_182914.3 (MANE Select); 6 bases into the intron after coding-DNA position 20516, G replaced by A.
Molecular consequence: intron variant.
Genome position (GRCh38, 1-based): chr14:64,225,051, G>A. VCF-style: chr14-64225051-G-A. GRCh37 (hg19) VCF-style: chr14-64691769-G-A.
Other names: c.20450+6G>A (NM_015180.6); c.1463+6G>A (NM_182913.4); c.1082+6G>A (NM_182910.2).
Identifiers: ClinVar variation 4979471 (VCV004979471.1).

ClinVar aggregate classification (germline): Likely benign (1 of 4 stars; one submission).

Conditions:
SYNE2-related disorder. Also called: SYNE2-related condition.

gnomAD v4.1: 24 of 1,613,792 alleles (0.0015%); highest among the groups gnomAD compares: African/African-American, 0.02%; 1 homozygote.

Submission:

PreventionGenetics, part of Exact Sciences
Classification: Likely benign for SYNE2-related condition. Last evaluated: 2026-02-04. Review status: criteria provided, single submitter. Criteria: ACMG Guidelines, 2015. Collection method: clinical testing. Allele origin: germline.
Comment: This variant is classified as likely benign based on ACMG/AMP sequence variant interpretation guidelines (Richards et al. 2015 PMID: 25741868, with internal and published modifications).